The following is an entry in ClinVar:

ClinVar aggregate classification (germline): Pathogenic (1 of 4 stars; one submission).

Submission:

Labcorp Genetics (formerly Invitae), Labcorp
Classification: Pathogenic. Last evaluated: 2023-07-21. Review status: criteria provided, single submitter. Criteria: Invitae Variant Classification Sherloc (09022015). Collection method: clinical testing. Allele origin: germline.
Comment: ClinVar contains an entry for this variant (Variation ID: 837885). This sequence change creates a premature translational stop signal (p.Thr503Valfs*31) in the FZD4 gene. While this is not anticipated to result in nonsense mediated decay, it is expected to disrupt the last 35 amino acid(s) of the FZD4 protein. This variant is not present in population databases (gnomAD no frequency). This premature translational stop signal has been observed in individual(s) with exudative vitreoretinopathy (PMID: 21097938, 25711638, 26530129). In at least one individual the variant was observed to be de novo. Experimental studies and prediction algorithms are not available or were not evaluated, and the functional significance of this variant is currently unknown. For these reasons, this variant has been classified as Pathogenic.

Literature cited by the submitters: PubMed 21097938; PubMed 25711638; PubMed 26530129.

NM_012193.4(FZD4):c.1507_1508del (p.Thr503fs)

Genes: FZD4 (frizzled class receptor 4; minus strand), PRSS23 (serine protease 23; plus strand). Cytogenetic location: 11q14.2.
Variant type: Microsatellite.
Coding change: c.1507_1508del on transcript NM_012193.4 (MANE Select); coding-DNA positions 1507 to 1508, 2 bases deleted (AC; older notation c.1507_1508delAC).
Protein change: p.Thr503fs; shifts the reading frame from threonine 503.
Molecular consequence: frameshift variant. On other transcripts: non-coding transcript variant (2).
Genome position (GRCh38, 1-based): chr11:86,951,248-86,951,249, GT deleted on the plus strand (AC on the coding strand, the reverse complement: FZD4 is on the minus strand); deleting any 2 consecutive bases within chr11:86,951,248-86,951,252 gives the same sequence; the c. name uses the placement nearest the transcript's 3' end. VCF-style (leftmost placement, unchanged base first): chr11-86951247-CGT-C. GRCh37 (hg19) VCF-style: chr11-86662289-CGT-C.
Other names: short protein forms T503fs.
Identifiers: ClinVar variation 837885 (VCV000837885.7), dbSNP rs1949288383, ClinGen allele CA916083270.